The following is an entry in ClinVar:

NM_053025.4(MYLK):c.2739C>A (p.Asp913Glu)

Gene: MYLK (myosin light chain kinase; minus strand). Cytogenetic location: 3q21.1.
Variant type: single nucleotide variant.
Coding change: c.2739C>A on transcript NM_053025.4 (MANE Select); coding-DNA position 2739, C replaced by A.
Protein change: p.Asp913Glu; replaces aspartic acid 913 with glutamic acid.
Molecular consequence: missense variant.
Genome position (GRCh38, 1-based): chr3:123,700,729, G>T on the plus strand (C>A on the coding strand, the complement: MYLK is on the minus strand). VCF-style: chr3-123700729-G-T. GRCh37 (hg19) VCF-style: chr3-123419576-G-T.
Other names: c.2211C>A, p.Asp737Glu (NM_001321309.2); c.2532C>A, p.Asp844Glu (NM_053026.4, NM_053028.4); c.2739C>A, p.Asp913Glu (NM_053027.4); short protein forms D737E, D844E, D913E.
Identifiers: ClinVar variation 1795379 (VCV001795379.7), dbSNP rs530064548, ClinGen allele CA068946.

ClinVar aggregate classification (germline): Conflicting classifications of pathogenicity. Review status: criteria provided, conflicting classifications (1 of 4 stars). 3 submissions from 3 submitters: Uncertain significance (2); Likely benign (1). Last evaluated 2026-01-11.

Conditions:
Familial thoracic aortic aneurysm and aortic dissection (TAAD). Also called: Thoracic aortic aneurysms and dissections. Identifiers: Orphanet 91387, MedGen C4707243, MONDO:0019625.
Aortic aneurysm, familial thoracic 7 (AAT7). Also called: AORTIC DISSECTION, FAMILIAL, WITH OR WITHOUT AORTIC ANEURYSM. Identifiers: MedGen C3151077, MONDO:0013418, OMIM 613780.

Submissions (3):

Labcorp Genetics (formerly Invitae), Labcorp
Classification: Uncertain significance for Aortic aneurysm, familial thoracic 7. Last evaluated: 2026-01-11. Review status: criteria provided, single submitter. Criteria: Invitae Variant Classification Sherloc (09022015). Collection method: clinical testing. Allele origin: germline.
Comment: This sequence change replaces aspartic acid, which is acidic and polar, with glutamic acid, which is acidic and polar, at codon 913 of the MYLK protein (p.Asp913Glu). This variant is present in population databases (rs530064548, gnomAD 0.002%). This variant has not been reported in the literature in individuals affected with MYLK-related conditions. ClinVar contains an entry for this variant (Variation ID: 1795379). Invitae Evidence Modeling of protein sequence and biophysical properties (such as structural, functional, and spatial information, amino acid conservation, physicochemical variation, residue mobility, and thermodynamic stability) indicates that this missense variant is not expected to disrupt MYLK protein function with a negative predictive value of 80%. In summary, the available evidence is currently insufficient to determine the role of this variant in disease. Therefore, it has been classified as a Variant of Uncertain Significance.

GeneDx
Classification: Uncertain significance. Last evaluated: 2024-03-15. Review status: criteria provided, single submitter. Criteria: GeneDx Variant Classification Process June 2021. Collection method: clinical testing. Allele origin: germline. Affected: yes.
Comment: Has not been previously published as pathogenic or benign to our knowledge; Not observed at significant frequency in large population cohorts (gnomAD); In silico analysis supports that this missense variant does not alter protein structure/function

Ambry Genetics
Classification: Likely benign for Familial thoracic aortic aneurysm and aortic dissection. Last evaluated: 2021-09-07. Review status: criteria provided, single submitter. Criteria: Ambry Variant Classification Scheme 2023. Collection method: clinical testing. Allele origin: germline.